The following is an entry in ClinVar:

ClinVar aggregate classification (germline): Uncertain significance (1 of 4 stars; one submission).

Conditions:
Hyperkalemic periodic paralysis. Also called: Familial hyperkalemic periodic paralysis; Gamstorp disease. Identifiers: Orphanet 682, MedGen C0238357, MONDO:0008224, OMIM 170500, HP:0007215.

Allele frequency attached by ClinVar (database versions not stated): gnomAD exomes below 0.00001 and 0.00001; gnomAD 0.00001; TOPMed 0.00001.
gnomAD v4.1: 5 of 1,597,006 alleles (0.00031%); highest among the groups gnomAD compares: Non-Finnish European, 0.00043%; no homozygotes.

Submission:

Labcorp Genetics (formerly Invitae), Labcorp
Classification: Uncertain significance for Hyperkalemic periodic paralysis. Last evaluated: 2025-12-06. Review status: criteria provided, single submitter. Criteria: Invitae Variant Classification Sherloc (09022015). Collection method: clinical testing. Allele origin: germline.
Comment: This sequence change replaces threonine, which is neutral and polar, with asparagine, which is neutral and polar, at codon 391 of the SCN4A protein (p.Thr391Asn). This variant is present in population databases (no rsID available, gnomAD 0.002%). This variant has not been reported in the literature in individuals affected with SCN4A-related conditions. ClinVar contains an entry for this variant (Variation ID: 958498). Invitae Evidence Modeling of protein sequence and biophysical properties (such as structural, functional, and spatial information, amino acid conservation, physicochemical variation, residue mobility, and thermodynamic stability) indicates that this missense variant is not expected to disrupt SCN4A protein function with a negative predictive value of 95%. In summary, the available evidence is currently insufficient to determine the role of this variant in disease. Therefore, it has been classified as a Variant of Uncertain Significance.

NM_000334.4(SCN4A):c.1172C>A (p.Thr391Asn)

Gene: SCN4A (sodium voltage-gated channel alpha subunit 4; minus strand). Cytogenetic location: 17q23.3.
Variant type: single nucleotide variant.
Coding change: c.1172C>A on transcript NM_000334.4 (MANE Select); coding-DNA position 1172, C replaced by A.
Protein change: p.Thr391Asn; replaces threonine 391 with asparagine.
Molecular consequence: missense variant.
Genome position (GRCh38, 1-based): chr17:63,966,172, G>T on the plus strand (C>A on the coding strand, the complement: SCN4A is on the minus strand). VCF-style: chr17-63966172-G-T. GRCh37 (hg19) VCF-style: chr17-62043532-G-T.
Other names: short protein forms T391N.
Identifiers: ClinVar variation 958498 (VCV000958498.10), dbSNP rs1321029357, ClinGen allele CA400636139.